The following is an entry in ClinVar:

NM_000399.5(EGR2):c.1106C>G (p.Pro369Arg)

Gene: EGR2 (early growth response 2; minus strand). Cytogenetic location: 10q21.3.
Variant type: single nucleotide variant.
Coding change: c.1106C>G on transcript NM_000399.5 (MANE Select); coding-DNA position 1106, C replaced by G.
Protein change: p.Pro369Arg; replaces proline 369 with arginine.
Molecular consequence: missense variant.
Genome position (GRCh38, 1-based): chr10:62,813,532, G>C on the plus strand (C>G on the coding strand, the complement: EGR2 is on the minus strand). VCF-style: chr10-62813532-G-C. GRCh37 (hg19) VCF-style: chr10-64573292-G-C.
Other names: c.1106C>G, p.Pro369Arg (NM_001136177.3, NM_001136178.2); c.956C>G, p.Pro319Arg (NM_001136179.3, NM_001321037.2); c.1145C>G, p.Pro382Arg (NM_001410931.1); short protein forms P319R, P369R, P382R.
Identifiers: ClinVar variation 2827590 (VCV002827590.3), dbSNP rs2492294339, ClinGen allele CA377027707.

ClinVar aggregate classification (germline): Uncertain significance (1 of 4 stars; one submission).

Conditions:
Charcot-Marie-Tooth disease, type I (CMT1). Also called: Charcot-Marie-Tooth disease type 1; Charcot-Marie-Tooth, Type 1. Identifiers: Orphanet 65753, MedGen C0751036, MONDO:0019011.

Submission:

Labcorp Genetics (formerly Invitae), Labcorp
Classification: Uncertain significance for Charcot-Marie-Tooth disease, type I. Last evaluated: 2023-01-10. Review status: criteria provided, single submitter. Criteria: Invitae Variant Classification Sherloc (09022015). Collection method: clinical testing. Allele origin: germline.
Comment: In summary, the available evidence is currently insufficient to determine the role of this variant in disease. Therefore, it has been classified as a Variant of Uncertain Significance. Advanced modeling of protein sequence and biophysical properties (such as structural, functional, and spatial information, amino acid conservation, physicochemical variation, residue mobility, and thermodynamic stability) performed at Invitae indicates that this missense variant is expected to disrupt EGR2 protein function. This variant has not been reported in the literature in individuals affected with EGR2-related conditions. This variant is not present in population databases (gnomAD no frequency). This sequence change replaces proline, which is neutral and non-polar, with arginine, which is basic and polar, at codon 369 of the EGR2 protein (p.Pro369Arg).